The following continues an entry in ClinVar:

NM_001048174.2(MUTYH):c.1103G>A (p.Gly368Asp)

Gene: MUTYH. ClinVar aggregate classification (germline): Pathogenic/Likely pathogenic. Pathogenic (64); Likely pathogenic (5).

Submissions 19 to 37 of 93:

Quest Diagnostics Nichols Institute San Juan Capistrano
Classification: Pathogenic. Last evaluated: 2024-09-25. Review status: criteria provided, single submitter. Criteria: Quest Diagnostics criteria. Collection method: clinical testing. Allele origin: unknown.
Comment: The MUTYH c.1187G>A (p.Gly396Asp) variant (also known as G396D and G382D) has been reported in the published literature in multiple cases of MUTYH-Associated Polyposis (MAP). This variant is one of two pathogenic variants associated with at least 90% of cases of MAP in patients of European ancestry (PMIDs: 19032956 (2009), 22744763 (2012), 23361220 (2014), 28135145 (2017), 28944238 (2017), 29766397 (2018), 30604180 (2019)). Furthermore, this variant has been described to have a damaging effect on DNA binding and DNA glycosylase activity of the MUTYH protein (PMIDs: 18534194 (2008), 19032956 (2009), 19953527 (2010), 20418187 (2010), 25820570 (2015)). Based on the available information, this variant is classified as pathogenic.

Genetics Department, Catlab
Classification: Pathogenic for Familial adenomatous polyposis 2. Last evaluated: 2024-09-04. Review status: criteria provided, single submitter. Criteria: ACMG Guidelines, 2015. Collection method: clinical testing. Allele origin: biparental. Affected: yes. Observed: 1 variant allele.
Comment: The c.1103G>A variant in the MUTYH gene has a significant increased frequency in colorrectal cancer patients compared to general population (OR = 6,87, p<0,0005; PMID: 21063410) (PS4_Strong) and has been previously reported in multiple patients (PMID: 23361220, 25590978, 27783336, 28135145, 2914711) (PM3_Strong). The variant is located in a critical Nudix funtional domain (PMID: 23108399) (PM1) and multiple functionals studies have shown a deleterious effect of the variant upon the protein (PMID: 15987719, 18534194, 20848659, 23108399) (PS3). The REVEL value is 0.95 (PP3_Strong). With all the available evidence, the variant is classified as pathogenic.

Genomics and Molecular Medicine Service, East Genomic Laboratory Hub, NHS Genomic Medicine Service
Classification: Pathogenic for Inherited polyposis and early onset colorectal cancer - germline testing. Last evaluated: 2024-06-26. Review status: criteria provided, single submitter. Criteria: ACGS Best Practice Guidelines for Variant Classification in Rare Disease 2020. Collection method: clinical testing. Allele origin: germline. Affected: yes.
Comment: PS3_Supporting,PM3_Very Strong,PP3

Laboratory for Molecular Medicine, Mass General Brigham Personalized Medicine
Classification: Pathogenic for Familial adenomatous polyposis 2. Last evaluated: 2024-04-02. Review status: criteria provided, single submitter. Criteria: ACMG Guidelines, 2015. Collection method: clinical testing. Allele origin: germline. Inheritance: Autosomal recessive inheritance.
Comment: The p.Gly396Asp variant in MUTYH is a well-established pathogenic variant for MUTYH-related attenuated familial adenomatous polyposis and is estimated to account for 50-82% of MUTYH-associated polyposis in European patients (Al-Tassan 2002 PMID: 11818965, Nielsen 2009 PMID: 17489848, Vogt 2009 PMID: 19732775, Nascimbeni 2010 PMID: 21178863, Aretz 2014 PMID: 23361220, ClinVar: Variation ID 5294). This variant has also been reported by other clinical laboratories in ClinVar (Variation ID: 5294) and has been identified in 0.5% (367/68040) of European chromosomes by gnomAD (v.3.1.2); however, this frequency is low enough to be consistent with a recessive carrier frequency. In vitro functional studies provide some evidence that the p.Gly396Asp variant may impact protein function (Al-Tassan 2002 PMID: 11818965, Ali 2008 PMID: 18534194, Goto 2010 PMID: 20848659). Computational prediction tools and conservation analysis suggest that the p.Gly396Asp variant may impact the protein. In summary, this variant meets criteria to be classified as pathogenic for MUTYH-associated polyposis in an autosomal recessive manner. The ACMG/AMP Criteria applied: PM3_VeryStrong, PP3, PS3_Supporting.

Baylor Genetics
Classification: Pathogenic for Familial adenomatous polyposis 2. Last evaluated: 2024-03-29. Review status: criteria provided, single submitter. Criteria: ACMG Guidelines, 2015. Collection method: clinical testing. Allele origin: unknown. Study: CSER-TexasKidsCanSeq.

Genomic Medicine Center of Excellence, King Faisal Specialist Hospital and Research Centre
Classification: Pathogenic for Familial adenomatous polyposis 2. Last evaluated: 2024-03-26. Review status: criteria provided, single submitter. Criteria: ACMG Guidelines, 2015. Collection method: clinical testing. Allele origin: germline.

Molecular Pathology, Peter Maccallum Cancer Centre
Classification: Pathogenic for Familial adenomatous polyposis 2. Last evaluated: 2024-02-12. Review status: criteria provided, single submitter. Criteria: ACMG Guidelines, 2015. Collection method: clinical testing. Allele origin: germline. Inheritance: Autosomal recessive inheritance.

Fulgent Genetics
Classification: Pathogenic for Familial adenomatous polyposis 2; Gastric cancer. Last evaluated: 2024-02-06. Review status: criteria provided, single submitter. Criteria: ACMG Guidelines, 2015. Collection method: clinical testing. Allele origin: germline.

St. Jude Molecular Pathology, St. Jude Children's Research Hospital
Classification: Pathogenic for Familial adenomatous polyposis 2. Last evaluated: 2024-01-13. Review status: criteria provided, single submitter. Criteria: St. Jude Assertion Criteria 2020. Collection method: clinical testing. Allele origin: germline.

Institute for Genomic Medicine (IGM) Clinical Laboratory, Nationwide Children's Hospital
Classification: Pathogenic for Familial adenomatous polyposis 2. Last evaluated: 2023-09-20. Review status: criteria provided, single submitter. Criteria: ACMG Guidelines, 2015. Collection method: clinical testing. Allele origin: germline.
Comment: Well-established functional studies have demonstrated this variant to have a damaging effect on protein function or splicing (ACMG/AMP: PS3; PMIDs:18534194, 20848659, 23108399). This variant has been reported at an elevated frequency in affected individuals/in multiple affected individuals in the literature (ACMG/AMP: PS4; PMIDs:29147111, 19032956, 16557584, 17489848, 19793053, 21424714). This variant has been observed in trans with a pathogenic variant (ACMG/AMP: PM3; PMIDs:19032956, 16557584, 17489848, 19793053). This variant is predicted to alter protein function or structure, or disrupt splicing by multiple in silico tools (ACMG/AMP: PP3).

Intergen Genetics and Rare Diseases Diagnosis Center
Classification: Pathogenic for Familial adenomatous polyposis 2. Last evaluated: 2023-08-31. Review status: criteria provided, single submitter. Criteria: ACMG Guidelines, 2015. Collection method: clinical testing. Allele origin: unknown. Inheritance: Autosomal recessive inheritance. Observed: 1 heterozygote.

Laboratory of Medical Genetics Unit, Bambino Gesù Children's Hospital
Classification: Pathogenic for Diffuse midline glioma, H3 K27-altered. Last evaluated: 2023-07-26. Review status: criteria provided, single submitter. Criteria: ACMG Guidelines, 2015. Collection method: research. Allele origin: germline. Affected: yes. Observed: 1 heterozygote.

Revvity Omics, Revvity
Classification: Pathogenic for Familial adenomatous polyposis 2. Last evaluated: 2023-07-19. Review status: criteria provided, single submitter. Criteria: ACMG Guidelines, 2015. Collection method: clinical testing. Allele origin: germline.

Department of Pathology and Laboratory Medicine, Sinai Health System
Classification: Pathogenic for Familial adenomatous polyposis 2. Last evaluated: 2023-06-28. Review status: criteria provided, single submitter. Criteria: ACMG Guidelines, 2015. Collection method: research. Allele origin: germline.

KCCC/NGS Laboratory, Kuwait Cancer Control Center
Classification: Pathogenic for Familial adenomatous polyposis 2. Last evaluated: 2023-05-31. Review status: criteria provided, single submitter. Criteria: ACMG Guidelines, 2015. Collection method: clinical testing. Allele origin: germline. Affected: no.
Comment: (p.Gly396Asp). This variant is present in population databases (rs36053993, gnomAD 0.5%), including at least one homozygous and/or hemizygous individual. This variant is a known common cause of MUTYH-associated polyposis (PMID: 23035301). This variant has been reported to co-segregate with disease in individuals affected with colorectal cancer and polyposis (with polyp numbers ranging from 10 to >100) (PMID: 11818965, 16557584, 17489848, 19793053). MUTYH-related conditions are inherited in an autosomal recessive fashion. However, there is evidence that monoallelic pathogenic MUTYH variants including this particular variant associated with increased risk of colon cancer (PMID: 16492921, 19394335, 21171015, 24444654, 15931596). This variant is also known as c.1145G>A (p.Gly382Asp). ClinVar contains an entry for this variant (Variation ID: 5294). Algorithms developed to predict the effect of missense changes on protein structure and function (SIFT, PoIyPhen-2, Align-GVGD) all suggest that this variant is likely to be disruptive. Experimental studies have shown that this missense change affects MUTYH function (PMID: 15987719, 18534194, 20848659, 23108399). For these reasons, this variant has been classified as Pathogenic. Pathogcnic/likely pathogenic mutations in the MUTYH gene are associated with familial polyposis syndrome.

Clinical Genetics Laboratory, Skane University Hospital Lund
Classification: Pathogenic. Last evaluated: 2023-04-11. Review status: criteria provided, single submitter. Criteria: ACMG Guidelines, 2015. Collection method: clinical testing. Allele origin: germline. Affected: yes.

Institute of Immunology and Genetics Kaiserslautern
Classification: Pathogenic for Familial adenomatous polyposis 2. Last evaluated: 2022-11-04. Review status: criteria provided, single submitter. Criteria: ACMG Guidelines, 2015. Collection method: clinical testing. Allele origin: germline.
Comment: ACMG Criteria: PS3, PS4, PM3, PM5, PP3, PP5; Variant was found in heterozygous state.

MGZ Medical Genetics Center
Classification: Pathogenic for Familial adenomatous polyposis 2. Last evaluated: 2022-08-22. Review status: criteria provided, single submitter. Criteria: ACMG Guidelines, 2015. Collection method: clinical testing. Allele origin: germline. Affected: yes. Observed: 21 variant alleles.
Comment: ACMG criteria applied: PM3_VSTR, PS4, PP1_STR, PS3_SUP, PP3

Genetics and Molecular Pathology, SA Pathology
Classification: Pathogenic for Familial adenomatous polyposis 2. Last evaluated: 2022-04-19. Review status: criteria provided, single submitter. Criteria: ACMG Guidelines, 2015. Collection method: clinical testing. Allele origin: germline. Inheritance: Autosomal recessive inheritance. Affected: yes.